The following is an entry in ClinVar:

NM_003640.5(ELP1):c.3937G>A (p.Glu1313Lys)

Gene: ELP1 (elongator acetyltransferase complex subunit 1; minus strand). Cytogenetic location: 9q31.3.
Variant type: single nucleotide variant.
Coding change: c.3937G>A on transcript NM_003640.5 (MANE Select); coding-DNA position 3937, G replaced by A.
Protein change: p.Glu1313Lys; replaces glutamic acid 1313 with lysine.
Molecular consequence: missense variant.
Genome position (GRCh38, 1-based): chr9:108,869,177, C>T on the plus strand (G>A on the coding strand, the complement: ELP1 is on the minus strand). VCF-style: chr9-108869177-C-T. GRCh37 (hg19) VCF-style: chr9-111631457-C-T.
Other names: c.3595G>A, p.Glu1199Lys (NM_001318360.2); c.2890G>A, p.Glu964Lys (NM_001330749.2); c.3937G>A (LRG_251t1); short protein forms E1313K, E1199K, E964K.
Identifiers: ClinVar variation 572319 (VCV000572319.9), dbSNP rs1554735745, ClinGen allele CA374409659.

ClinVar aggregate classification (germline): Uncertain significance. Review status: criteria provided, multiple submitters, no conflicts (2 of 4 stars). 3 submissions from 3 submitters: Uncertain significance (2). 1 of the submissions does not count toward it. Last evaluated 2022-02-02.

Conditions:
Familial dysautonomia. Also called: FD; HSAN III. Identifiers: Orphanet 1764, MedGen C0013364, MONDO:0009131, OMIM 223900. Disease mechanism: loss of function.

Allele frequency attached by ClinVar (database versions not stated): gnomAD exomes 0.00001.

Submissions (3):

Ambry Genetics
Classification: Uncertain significance. Last evaluated: 2022-02-02. Review status: criteria provided, single submitter. Criteria: Ambry Variant Classification Scheme 2023. Collection method: clinical testing. Allele origin: germline.
Comment: The p.E1313K variant (also known as c.3937G>A), located in coding exon 36 of the IKBKAP gene, results from a G to A substitution at nucleotide position 3937. The glutamic acid at codon 1313 is replaced by lysine, an amino acid with similar properties. This amino acid position is well conserved in available vertebrate species. In addition, this alteration is predicted to be tolerated by in silico analysis. Since supporting evidence is limited at this time, the clinical significance of this alteration remains unclear.

Labcorp Genetics (formerly Invitae), Labcorp
Classification: Uncertain significance. Last evaluated: 2021-08-31. Review status: criteria provided, single submitter. Criteria: Invitae Variant Classification Sherloc (09022015). Collection method: clinical testing. Allele origin: germline.

Natera, Inc.
Classification: Uncertain significance for Familial dysautonomia. Last evaluated: 2020-09-16. Review status: no assertion criteria provided. Collection method: clinical testing. Allele origin: germline. Not counted in ClinVar's aggregate classification.